The following is an entry in ClinVar:

NM_014191.4(SCN8A):c.641G>A (p.Gly214Asp)

Gene: SCN8A (sodium voltage-gated channel alpha subunit 8; plus strand). Cytogenetic location: 12q13.13.
Variant type: single nucleotide variant.
Coding change: c.641G>A on transcript NM_014191.4 (MANE Plus Clinical); coding-DNA position 641, G replaced by A.
Protein change: p.Gly214Asp; replaces glycine 214 with aspartic acid.
Molecular consequence: missense variant. On other transcripts: intron variant (2).
Genome position (GRCh38, 1-based): chr12:51,688,784, G>A. VCF-style: chr12-51688784-G-A. GRCh37 (hg19) VCF-style: chr12-52082568-G-A.
Other names: c.641G>A, p.Gly214Asp (NM_001177984.3); c.615-221G>A (NM_001330260.2, NM_001369788.1); short protein forms G214D.
Identifiers: ClinVar variation 253276 (VCV000253276.6), dbSNP rs879255694, ClinGen allele CA10586285.
Genomic context (GRCh38, chr12:51,688,784, plus strand): 5'-ACCATTACAAGTTAACTTTGGTTTGATTCTGCAGGTATATAACAGAGTTTGTAAACCTAG[G>A]CAATGTTTCAGCTCTACGCACTTTCAGGGTACTGAGGGCTTTGAAAACTATTTCGGTAAT-3'
Protein context (NP_055006.1, residues 204-224): MAYITEFVNL[Gly214Asp]NVSALRTFRV

ClinVar aggregate classification (germline): Likely pathogenic. Review status: criteria provided, single submitter (1 of 4 stars). 3 submissions from 3 submitters: Likely pathogenic (1). 2 of the submissions do not count toward it. Last evaluated 2020-10-23.

Conditions:
Developmental and epileptic encephalopathy, 13 (DEE13). Also called: Early infantile epileptic encephalopathy 13; SCN8A-Related Epilepsy; Developmental and Epileptic Encephalopathy (SCN8A-DEE). Identifiers: Orphanet 442835, MedGen C3281191, MONDO:0013801, OMIM 614558.
Cognitive impairment with or without cerebellar ataxia (CIAT). Identifiers: MedGen C3280415, MONDO:0013680, OMIM 614306.

Submissions (3):

Institute of Medical Genetics and Applied Genomics, University Hospital Tübingen
Classification: Likely pathogenic. Last evaluated: 2020-10-23. Review status: criteria provided, single submitter. Criteria: ACMG Guidelines, 2015. Collection method: clinical testing. Allele origin: germline. Inheritance: Autosomal dominant inheritance. Affected: yes.

Solve-RD Consortium
Classification: Likely pathogenic for Cognitive impairment with or without cerebellar ataxia. Last evaluated: 2022-06-01. Review status: no assertion criteria provided. Collection method: provider interpretation. Allele origin: inherited. Affected: yes. Not counted in ClinVar's aggregate classification.
Comment: Variant confirmed as disease-causing by referring clinical team

Variant identified during reanalysis of unsolved cases by the Solve-RD project. The Solve-RD project has received funding from the European Union’s Horizon 2020 research and innovation programme under grant agreement No 779257.

GeneReviews
No classification provided. Condition: Developmental and epileptic encephalopathy, 13. Review status: no classification provided. Collection method: literature only. Allele origin: germline. Affected: yes. Not counted in ClinVar's aggregate classification.

Literature cited by the submitters: PubMed 39825153 (cited by Solve-RD Consortium); PubMed 23934111 (cited by GeneReviews); NCBI Bookshelf NBK379665 (cited by GeneReviews).